The following is an entry in ClinVar:

NM_003000.3(SDHB):c.170A>G (p.His57Arg)

Gene: SDHB (succinate dehydrogenase complex iron sulfur subunit B; minus strand). Cytogenetic location: 1p36.13.
Variant type: single nucleotide variant.
Coding change: c.170A>G on transcript NM_003000.3 (MANE Select); coding-DNA position 170, A replaced by G.
Protein change: p.His57Arg; replaces histidine 57 with arginine.
Molecular consequence: missense variant.
Genome position (GRCh38, 1-based): chr1:17,044,791, T>C on the plus strand (A>G on the coding strand, the complement: SDHB is on the minus strand). VCF-style: chr1-17044791-T-C. GRCh37 (hg19) VCF-style: chr1-17371286-T-C.
Other names: short protein forms H57R.
Identifiers: ClinVar variation 135192 (VCV000135192.43), dbSNP rs35962811, ClinGen allele CA015557.

ClinVar aggregate classification (germline): Benign/Likely benign. Review status: criteria provided, multiple submitters, no conflicts (2 of 4 stars). 19 submissions from 18 submitters: Benign (6); Likely benign (11). 2 of the submissions do not count toward it. Last evaluated 2026-08-01.

Conditions:
Cowden syndrome (CS). Also called: Cowden's disease; Cowden's syndrome; Cowden disease. Identifiers: Orphanet 201, MedGen C0018553, MONDO:0016063. Disease mechanism: gain of function.
Hereditary cancer-predisposing syndrome. Also called: Neoplastic Syndromes, Hereditary; Tumor predisposition; Hereditary neoplastic syndrome; Hereditary Cancer Syndrome. Identifiers: Orphanet 140162, MedGen C0027672, MeSH D009386, MONDO:0015356.
Pheochromocytoma/paraganglioma syndrome 4. Also called: CAROTID BODY TUMORS AND MULTIPLE EXTRAADRENAL PHEOCHROMOCYTOMAS; SDHB-Related Hereditary Paraganglioma-Pheochromocytoma Syndrome (Paragangliomas 4); PARAGANGLIOMA, FAMILIAL MALIGNANT; PARAGANGLIOMAS, HEREDITARY EXTRAADRENAL; PHEOCHROMOCYTOMA, FAMILIAL EXTRAADRENAL; Paragangliomas 4. Identifiers: Orphanet 29072, MedGen C1861848, MONDO:0007273, OMIM 115310.
Gastrointestinal stromal tumor. Also called: Gastrointestinal stromal tumor, somatic; Gastrointestinal stroma tumor. Identifiers: Orphanet 44890, MedGen C0238198, MeSH D046152, MONDO:0011719, OMIM 606764, HP:0100723.
Pheochromocytoma. Also called: MAX-Related Hereditary Paraganglioma-Pheochromocytoma Syndrome. Identifiers: Orphanet 29072, MedGen C0031511, MONDO:0008233, OMIM 171300, HP:0002666.
Hereditary pheochromocytoma and paraganglioma. Also called: Hereditary pheochromocytoma-paraganglioma; Hereditary Paraganglioma-Pheochromocytoma Syndromes; Hereditary paragangliomas and pheochromocytomas. Identifiers: Orphanet 29072, MedGen C4274332, MONDO:0017366.
Carney-Stratakis syndrome. Also called: PARAGANGLIOMA AND GASTROINTESTINAL STROMAL TUMOR. Identifiers: Orphanet 97286, MedGen C1847319, MONDO:0011740, OMIM 606864.

Allele frequency attached by ClinVar (database versions not stated): gnomAD exomes 0.00021 and 0.00068; ExAC 0.00072; gnomAD 0.00221 and 0.00231; 1000 Genomes Project 0.00240; TOPMed 0.00242; ESP Exome Variant Server 0.00284; 1000 Genomes Project 30x 0.00328.
gnomAD v4.1: 663 of 1,614,114 alleles (0.041%); highest among the groups gnomAD compares: African/African-American, 0.73%; 1 homozygote.

Submissions (19):

CeGaT Center for Human Genetics Tuebingen
Classification: Likely benign. Last evaluated: 2026-08-01. Review status: criteria provided, single submitter. Criteria: CeGaT Center For Human Genetics Tuebingen Variant Classification Criteria Version 2. Collection method: clinical testing. Allele origin: germline. Affected: yes. Observed: 2 variant alleles.
Comment: SDHB: BS2

Labcorp Genetics (formerly Invitae), Labcorp
Classification: Benign for Gastrointestinal stromal tumor; Pheochromocytoma/paraganglioma syndrome 4; Pheochromocytoma. Last evaluated: 2026-02-03. Review status: criteria provided, single submitter. Criteria: Invitae Variant Classification Sherloc (09022015). Collection method: clinical testing. Allele origin: germline.

Mayo Clinic Laboratories, Mayo Clinic
Classification: Likely benign. Last evaluated: 2025-09-04. Review status: criteria provided, single submitter. Criteria: ACMG Guidelines, 2015. Collection method: clinical testing. Allele origin: germline. Observed: 2 variant alleles.
Comment: BS1, BP6

Center for Genomic Medicine, Rigshospitalet, Copenhagen University Hospital
Classification: Likely benign. Last evaluated: 2025-03-04. Review status: criteria provided, single submitter. Criteria: ACMG Guidelines, 2015. Collection method: clinical testing. Allele origin: germline.

Blueprint Genetics
Classification: Likely benign. Last evaluated: 2024-10-04. Review status: criteria provided, single submitter. Criteria: ACMG Guidelines, 2015. Collection method: clinical testing. Allele origin: germline.

Department of Pathology and Laboratory Medicine, Sinai Health System
Classification: Likely benign for Pheochromocytoma/paraganglioma syndrome 4. Last evaluated: 2024-01-10. Review status: criteria provided, single submitter. Criteria: ACMG Guidelines, 2015. Collection method: clinical testing. Allele origin: germline. Affected: yes.

KCCC/NGS Laboratory, Kuwait Cancer Control Center
Classification: Benign for Pheochromocytoma/paraganglioma syndrome 4. Last evaluated: 2023-07-07. Review status: criteria provided, single submitter. Criteria: ACMG Guidelines, 2015. Collection method: clinical testing. Allele origin: germline. Affected: yes.

Color Diagnostics, LLC DBA Color Health
Classification: Benign for Hereditary pheochromocytoma and paraganglioma. Last evaluated: 2022-11-07. Review status: criteria provided, single submitter. Criteria: ACMG Guidelines, 2015. Collection method: clinical testing. Allele origin: germline.

Sema4
Classification: Benign for Hereditary cancer-predisposing syndrome. Last evaluated: 2021-04-05. Review status: criteria provided, single submitter. Criteria: Sema4 Curation Guidelines. Collection method: curation. Allele origin: germline.

Illumina Laboratory Services, Illumina
Classification: Likely benign for Hereditary Paraganglioma-Pheochromocytoma Syndromes. Last evaluated: 2018-10-15. Review status: criteria provided, single submitter. Criteria: ICSL Variant Classification Criteria 13 December 2019. Collection method: clinical testing. Allele origin: germline.
Comment: This variant was observed as part of a predisposition screen in an ostensibly healthy population. A literature search was performed for the gene, cDNA change, and amino acid change (where applicable). Publications were found based on this search. The evidence from the literature, in combination with allele frequency data from public databases where available, was sufficient to determine this variant is unlikely to cause disease. Therefore, this variant is classified as likely benign.

Illumina Laboratory Services, Illumina
Classification: Likely benign for Carney-Stratakis syndrome. Last evaluated: 2018-10-15. Review status: criteria provided, single submitter. Criteria: ICSL Variant Classification Criteria 13 December 2019. Collection method: clinical testing. Allele origin: germline.
Comment: the same text as in the submission from Illumina Laboratory Services, Illumina above.

ARUP Laboratories, Molecular Genetics and Genomics, ARUP Laboratories
Classification: Likely benign. Last evaluated: 2018-03-22. Review status: criteria provided, single submitter. Criteria: ARUP Molecular Germline Variant Investigation Process. Collection method: clinical testing. Allele origin: germline.
Comment: The SDHB c.170A>G; p.His57Arg variant is reported in the medical literature with an individual with Cowden or Cowden-like syndrome (Ni 2012), but is also reported at a greater frequency in the general population than expected for the disorder (Olfson 2015). The variant is described as benign or likely benign by several sources in the ClinVar database (Variation ID: 135192). This variant is found in the African population with an overall allele frequency of 0.8% (191/24040 alleles) in the Genome Aggregation Database. The amino acid at this position is weakly conserved across species and computational algorithms (PolyPhen-2, SIFT) predict this variant is tolerated. Considering available information, this variant is classified as likely benign. References: Ni Y et al. Germline SDHx variants modify breast and thyroid cancer risks in Cowden and Cowden-like syndrome via FAD/NAD-dependant destabilization of p53. Hum Mol Genet. 2012 Jan 15;21(2):300-10. Olfson E et al. Identification of Medically Actionable Secondary Findings in the 1000 Genomes. PLoS One. 2015 Sep 2;10(9):e0135193.

Women's Health and Genetics/Laboratory Corporation of America, LabCorp
Classification: Benign. Last evaluated: 2017-12-04. Review status: criteria provided, single submitter. Criteria: LabCorp Variant Classification Summary - May 2015. Collection method: clinical testing. Allele origin: germline.
Comment: Variant summary: The SDHB c.170A>G (p.His57Arg) variant involves the alteration of a non-conserved nucleotide located in the Succinate dehydogenase/fumarate reductase N-terminal (IPR025192) and the 2Fe-2S ferredoxin-type iron-sulfur binding domains (IPR001041) (InterPro). 3/4 in silico tools predict a benign outcome for this variant (SNPsandGO not captured due to low reliability index). This variant was found in 222/278486 control chromosomes (gnomAD and Bodian_2014) at a frequency of 0.0007972, which is approximately 911 times the estimated maximal expected allele frequency of a pathogenic SDHB variant (0.0000009), suggesting this variant is likely a benign polymorphism. In addition, multiple clinical diagnostic laboratories/reputable databases classified this variant as benign. The variant of interest has not, to our knowledge, been reported in individuals with Hereditary paraganglioma-pheochromocytoma syndrome via publications and/or reputable databases/clinical diagnostic laboratories; nor evaluated for functional impact by in vivo/vitro studies. Taken together, this variant is classified as benign.

Center for Pediatric Genomic Medicine, Children's Mercy Hospital and Clinics
Classification: Likely benign. Last evaluated: 2017-05-03. Review status: criteria provided, single submitter. Criteria: ACMG Guidelines, 2015. Collection method: clinical testing. Allele origin: germline.

Laboratory for Molecular Medicine, Mass General Brigham Personalized Medicine
Classification: Likely benign. Last evaluated: 2016-03-28. Review status: criteria provided, single submitter. Criteria: LMM Criteria. Collection method: clinical testing. Allele origin: germline.
Comment: Variant identified in a genome or exome case(s) and assessed due to predicted null impact of the variant or pathogenic assertions in the literature or databases. Disclaimer: This variant has not undergone full assessment. The following are preliminary notes: 2 papers describe as non disease causing; ExAC: 0.8% (79/10404) African chromosomes; ClinVar: 3 labs classify as LB

Ambry Genetics
Classification: Benign for Hereditary cancer-predisposing syndrome. Last evaluated: 2015-11-17. Review status: criteria provided, single submitter. Criteria: Ambry Variant Classification Scheme 2023. Collection method: clinical testing. Allele origin: germline.

Breakthrough Genomics
Classification: Likely benign. Review status: criteria provided, single submitter. Criteria: ACMG Guidelines, 2015. Collection method: not provided. Allele origin: germline. Inheritance: Autosomal recessive inheritance. Affected: yes.

CSER _CC_NCGL, University of Washington
Classification: Likely benign for Cowden-like syndrome. Last evaluated: 2014-06-01. Review status: no assertion criteria provided. Collection method: research. Allele origin: germline. Inheritance: Autosomal dominant inheritance. Study: ESP 6500 variant annotation. Not counted in ClinVar's aggregate classification.
Comment: Variants classified for the Actionable exomic incidental findings in 6503 participants: challenges of variant classification manuscript

ITMI
No classification provided. Condition: AllHighlyPenetrant. Last evaluated: 2013-09-19. Review status: no classification provided. Collection method: reference population. Allele origin: germline. Not counted in ClinVar's aggregate classification.
Comment: Please see associated publication for description of ethnicities

Literature cited by the submitters: PubMed 21979946 (cited by Illumina Laboratory Services, Illumina and Ambry Genetics); PubMed 24728327 (cited by 3 submitters); PubMed 17376234 (cited by Ambry Genetics).